The following is an entry in ClinVar:

ClinVar aggregate classification (germline): Likely pathogenic (1 of 4 stars; one submission).

Conditions:
Ververi-Brady syndrome 1. Identifiers: Orphanet 580940, MedGen C6065891, MONDO:0060707, OMIM 617982.

Submission:

Laboratorio de Genetica e Diagnostico Molecular, Hospital Israelita Albert Einstein
Classification: Likely pathogenic for Ververi-Brady syndrome 1. Last evaluated: 2025-10-23. Review status: criteria provided, single submitter. Criteria: ACMG Guidelines, 2015. Collection method: clinical testing. Allele origin: germline. Affected: yes.
Comment: ACMG classification criteria: PVS1 very strong, PM2 supporting

NM_198880.3(QRICH1):c.296del (p.Pro99fs)

Gene: QRICH1 (glutamine rich 1; minus strand). Cytogenetic location: 3p21.31.
Variant type: Deletion.
Coding change: c.296del on transcript NM_198880.3 (MANE Select); coding-DNA position 296, one base deleted (C; older notation c.296delC).
Protein change: p.Pro99fs; shifts the reading frame from proline 99.
Molecular consequence: frameshift variant.
Genome position (GRCh38, 1-based): chr3:49,076,722, G deleted on the plus strand (C on the coding strand, the reverse complement: QRICH1 is on the minus strand); the first of 2 consecutive G bases (chr3:49,076,722-49,076,723); deleting either gives the same sequence. VCF-style (leftmost placement, unchanged base first): chr3-49076721-CG-C. GRCh37 (hg19) VCF-style: chr3-49114154-CG-C.
Other names: c.296del, p.Pro99fs (NM_001320580.2, NM_001320581.2, NM_001320582.2 and 4 more transcripts); short protein forms P99fs.
Identifiers: ClinVar variation 4846918 (VCV004846918.1).